The following is an entry in ClinVar:

ClinVar aggregate classification (germline): Likely benign. Review status: criteria provided, multiple submitters, no conflicts (2 of 4 stars). 2 submissions from 2 submitters: Likely benign (2). Last evaluated 2022-04-01.

Allele frequency attached by ClinVar (database versions not stated): ExAC 0.00007; gnomAD exomes 0.00009 and 0.00011; gnomAD 0.00002 and 0.00003; TOPMed 0.00003.
gnomAD v4.1: 170 of 1,613,932 alleles (0.011%); highest among the groups gnomAD compares: Non-Finnish European, 0.011%; 1 homozygote.

Submissions (2):

CeGaT Center for Human Genetics Tuebingen
Classification: Likely benign. Last evaluated: 2022-04-01. Review status: criteria provided, single submitter. Criteria: CeGaT Center For Human Genetics Tuebingen Variant Classification Criteria Version 2. Collection method: clinical testing. Allele origin: germline. Affected: yes. Observed: 1 variant allele.
Comment: ALX4: BP4, BP7

Labcorp Genetics (formerly Invitae), Labcorp
Classification: Likely benign. Last evaluated: 2018-09-10. Review status: criteria provided, single submitter. Criteria: Invitae Variant Classification Sherloc (09022015). Collection method: clinical testing. Allele origin: germline.

NM_021926.4(ALX4):c.615C>T (p.Ala205=)

Gene: ALX4 (ALX homeobox 4; minus strand). Cytogenetic location: 11p11.2.
Variant type: single nucleotide variant.
Coding change: c.615C>T on transcript NM_021926.4 (MANE Select); coding-DNA position 615, C replaced by T.
Protein change: p.Ala205=; no amino-acid change (alanine 205 retained).
Molecular consequence: synonymous variant.
Genome position (GRCh38, 1-based): chr11:44,275,510, G>A on the plus strand (C>T on the coding strand, the complement: ALX4 is on the minus strand). VCF-style: chr11-44275510-G-A. GRCh37 (hg19) VCF-style: chr11-44297060-G-A.
Identifiers: ClinVar variation 750949 (VCV000750949.27), dbSNP rs777337755, ClinGen allele CA5955694.